The following is an entry in ClinVar:

ClinVar aggregate classification (germline): Uncertain significance. Review status: criteria provided, multiple submitters, no conflicts (2 of 4 stars). 2 submissions from 2 submitters: Uncertain significance (2). Last evaluated 2023-11-03.

Conditions:
Susceptibility to respiratory infections associated with CD8alpha chain mutation (IMD116). Also called: Cd8 deficiency, familial; IMMUNODEFICIENCY 116. Identifiers: Orphanet 169085, MedGen C1837065, MONDO:0012161, OMIM 608957.

Allele frequency attached by ClinVar (database versions not stated): gnomAD exomes 0.00001; ExAC 0.00002; gnomAD 0.00002; TOPMed 0.00005; ESP Exome Variant Server 0.00008.

Submissions (2):

Ambry Genetics
Classification: Uncertain significance. Last evaluated: 2023-11-03. Review status: criteria provided, single submitter. Criteria: Ambry Variant Classification Scheme 2023. Collection method: clinical testing. Allele origin: germline.

Labcorp Genetics (formerly Invitae), Labcorp
Classification: Uncertain significance for Susceptibility to respiratory infections associated with CD8alpha chain mutation. Last evaluated: 2022-08-19. Review status: criteria provided, single submitter. Criteria: Invitae Variant Classification Sherloc (09022015). Collection method: clinical testing. Allele origin: germline.
Comment: In summary, the available evidence is currently insufficient to determine the role of this variant in disease. Therefore, it has been classified as a Variant of Uncertain Significance. Algorithms developed to predict the effect of missense changes on protein structure and function (SIFT, PolyPhen-2, Align-GVGD) all suggest that this variant is likely to be disruptive. This variant has not been reported in the literature in individuals affected with CD8A-related conditions. This variant is present in population databases (rs200563616, gnomAD 0.02%). This sequence change replaces serine, which is neutral and polar, with leucine, which is neutral and non-polar, at codon 231 of the CD8A protein (p.Ser231Leu).

NM_001768.7(CD8A):c.692C>T (p.Ser231Leu)

Gene: CD8A (CD8 subunit alpha; minus strand). Cytogenetic location: 2p11.2.
Variant type: single nucleotide variant.
Coding change: c.692C>T on transcript NM_001768.7 (MANE Select); coding-DNA position 692, C replaced by T.
Protein change: p.Ser231Leu; replaces serine 231 with leucine.
Molecular consequence: missense variant. On other transcripts: non-coding transcript variant (5).
Genome position (GRCh38, 1-based): chr2:86,785,936, G>A on the plus strand (C>T on the coding strand, the complement: CD8A is on the minus strand). VCF-style: chr2-86785936-G-A. GRCh37 (hg19) VCF-style: chr2-87013059-G-A.
Other names: c.692C>T, p.Ser231Leu (NM_001145873.1, NM_001382698.1); c.581C>T, p.Ser194Leu (NM_171827.4); short protein forms S231L, S194L.
Identifiers: ClinVar variation 2084178 (VCV002084178.3), dbSNP rs200563616, ClinGen allele CA1751074.